The following is an entry in ClinVar:

NM_012330.4(KAT6B):c.5254C>T (p.Gln1752Ter)

Gene: KAT6B (lysine acetyltransferase 6B; plus strand). Cytogenetic location: 10q22.2.
Variant type: single nucleotide variant.
Coding change: c.5254C>T on transcript NM_012330.4 (MANE Select); coding-DNA position 5254, C replaced by T.
Protein change: p.Gln1752Ter; replaces glutamine 1752 with a stop codon.
Molecular consequence: nonsense.
Genome position (GRCh38, 1-based): chr10:75,030,078, C>T. VCF-style: chr10-75030078-C-T. GRCh37 (hg19) VCF-style: chr10-76789836-C-T.
Other names: c.4705C>T, p.Gln1569Ter (NM_001256468.2, NM_001370138.1); c.4378C>T, p.Gln1460Ter (NM_001256469.2, NM_001370139.1, NM_001370140.1 and 2 more transcripts); c.4216C>T, p.Gln1406Ter (NM_001370132.1); c.3565C>T, p.Gln1189Ter (NM_001370133.1); c.3169C>T, p.Gln1057Ter (NM_001370134.1); c.2911C>T, p.Gln971Ter (NM_001370135.1); c.5254C>T, p.Gln1752Ter (NM_001370136.1, NM_001370137.1); c.4189C>T, p.Gln1397Ter (NM_001370143.1, NM_001370144.1); short protein forms Q1752*, Q1406*, Q1460*, Q1057*, Q1397*, Q1189*, Q1569*, Q971*.
Identifiers: ClinVar variation 489009 (VCV000489009.5), dbSNP rs924532501, ClinGen allele CA377300570.
Genomic context (GRCh38, chr10:75,030,078, plus strand): 5'-TGCAGCATGCTGCAGCAAACCAGCATCAGCTCCCCTCCGACCTGCAGCGTCAAGTCTCCT[C>T]AAGGCTGTGTGGTGGAGAGGCCTCCGAGCAGCAGCCAGCAGCTGGCTCAGTGCAGCATGG-3'

ClinVar aggregate classification (germline): Pathogenic. Review status: criteria provided, multiple submitters, no conflicts (2 of 4 stars). 3 submissions from 3 submitters: Pathogenic (3). Last evaluated 2024-10-04.

Conditions:
Genitopatellar syndrome (GTPTS). Also called: ABSENT PATELLAE, SCROTAL HYPOPLASIA, RENAL ANOMALIES, FACIAL DYSMORPHISM, AND MENTAL RETARDATION; Genitopatellar syndrome (GPS). Identifiers: Orphanet 85201, MedGen C1853566, MONDO:0011640, OMIM 606170.
Blepharophimosis - intellectual disability syndrome, SBBYS type (SBBYSS). Also called: Say-Barber-Biesecker-Young-Simpson syndrome; Say-Barber-Biesecker-Young-Simpson variant of Ohdo Syndrome; Say-Barber-Biesecker Variant of Ohdo Syndrome; Ohdo syndrome, SBBYS variant; SBBYSS syndrome; Young Simpson syndrome. Identifiers: Orphanet 3047, MedGen C1863557, MONDO:0011365, OMIM 603736.

Submissions (3):

Dubai Health Genomic Medicine Center, Dubai Health
Classification: Pathogenic for Say-Barber-Biesecker-Young-Simpson syndrome. Last evaluated: 2024-10-04. Review status: criteria provided, single submitter. Criteria: ACMG Guidelines, 2015. Collection method: research. Allele origin: germline. Affected: yes.
Comment: PVS1,PS2,PM2

Institute of Human Genetics, Heidelberg University
Classification: Pathogenic for Blepharophimosis - intellectual disability syndrome, SBBYS type; Genitopatellar syndrome. Last evaluated: 2022-03-23. Review status: criteria provided, single submitter. Criteria: ACMG Guidelines, 2015. Collection method: clinical testing. Allele origin: de novo. Affected: yes.

GeneDx
Classification: Pathogenic. Last evaluated: 2017-06-14. Review status: criteria provided, single submitter. Criteria: GeneDx Variant Classification (06012015). Collection method: clinical testing. Allele origin: germline. Affected: yes.
Comment: The Q1752X variant in the KAT6B gene has not been reported previously as a pathogenic variant nor as a benign variant, to our knowledge. This variant is predicted to cause loss of normal protein function through protein truncation. The Q1752X variant is not observed in large population cohorts (Lek et al., 2016; 1000 Genomes Consortium et al., 2015; Exome Variant Server). We interpret Q1752X as a pathogenic variant.